The following is an entry in ClinVar:

NM_201253.3(CRB1):c.2420T>C (p.Leu807Pro)

Gene: CRB1 (crumbs cell polarity complex component 1; plus strand). Cytogenetic location: 1q31.3.
Variant type: single nucleotide variant.
Coding change: c.2420T>C on transcript NM_201253.3 (MANE Select); coding-DNA position 2420, T replaced by C.
Protein change: p.Leu807Pro; replaces leucine 807 with proline.
Molecular consequence: missense variant. On other transcripts: non-coding transcript variant (2), intron variant (1).
Genome position (GRCh38, 1-based): chr1:197,427,745, T>C. VCF-style: chr1-197427745-T-C. GRCh37 (hg19) VCF-style: chr1-197396875-T-C.
Other names: c.2084T>C, p.Leu695Pro (NM_001193640.2); c.2213T>C, p.Leu738Pro (NM_001257965.2); c.2128+5789T>C (NM_001257966.2); short protein forms L695P, L738P, L807P.
Identifiers: ClinVar variation 973919 (VCV000973919.4), dbSNP rs1664667136, ClinGen allele CA344037254.

ClinVar aggregate classification (germline): Uncertain significance. Review status: criteria provided, single submitter (1 of 4 stars). 2 submissions from 2 submitters: Uncertain significance (1). 1 of the submissions does not count toward it. Last evaluated 2023-12-22.

Conditions:
Retinitis pigmentosa 12 (RP12). Also called: RP WITH OR WITHOUT PPRPE; RP WITH OR WITHOUT PRESERVED PARAARTERIOLE RETINAL PIGMENT EPITHELIUM; RETINITIS PIGMENTOSA WITH OR WITHOUT PARAARTERIOLAR PRESERVATION OF RETINAL PIGMENT EPITHELIUM. Identifiers: Orphanet 791, MedGen C1838647, MONDO:0010818, OMIM 600105.
Leber congenital amaurosis 8 (LCA8). Identifiers: Orphanet 65, MedGen C3151202, MONDO:0013453, OMIM 613835.

gnomAD v4.1: 1 of 1,614,050 alleles (0.000062%); no homozygotes.

Submissions (2):

Labcorp Genetics (formerly Invitae), Labcorp
Classification: Uncertain significance for Leber congenital amaurosis 8; Retinitis pigmentosa 12. Last evaluated: 2023-12-22. Review status: criteria provided, single submitter. Criteria: Invitae Variant Classification Sherloc (09022015). Collection method: clinical testing. Allele origin: germline.
Comment: This sequence change replaces leucine, which is neutral and non-polar, with proline, which is neutral and non-polar, at codon 807 of the CRB1 protein (p.Leu807Pro). This variant is not present in population databases (gnomAD no frequency). This variant has not been reported in the literature in individuals affected with CRB1-related conditions. ClinVar contains an entry for this variant (Variation ID: 973919). Advanced modeling of protein sequence and biophysical properties (such as structural, functional, and spatial information, amino acid conservation, physicochemical variation, residue mobility, and thermodynamic stability) performed at Invitae indicates that this missense variant is expected to disrupt CRB1 protein function with a positive predictive value of 80%. In summary, the available evidence is currently insufficient to determine the role of this variant in disease. Therefore, it has been classified as a Variant of Uncertain Significance.

Laboratory of Genetics in Ophthalmology, Institut Imagine
Classification: Likely pathogenic for Leber congenital amaurosis 8. Review status: no assertion criteria provided. Collection method: research. Allele origin: inherited. Affected: yes. Observed: 1 variant allele. Not counted in ClinVar's aggregate classification.

Literature cited by the submitters: PubMed 11389483 (cited by Laboratory of Genetics in Ophthalmology, Institut Imagine).